The following is an entry in ClinVar:

ClinVar aggregate classification (germline): Uncertain significance (1 of 4 stars; one submission).

Conditions:
Hereditary cancer-predisposing syndrome. Also called: Hereditary Cancer Syndrome; Tumor predisposition; Hereditary neoplastic syndrome; Neoplastic Syndromes, Hereditary. Identifiers: Orphanet 140162, MedGen C0027672, MeSH D009386, MONDO:0015356.
Cardiovascular phenotype. Identifiers: MedGen CN230736.

gnomAD v4.1: 1 of 1,614,150 alleles (0.000062%); highest among the groups gnomAD compares: Non-Finnish European, 0.000085%; no homozygotes.

Submission:

Ambry Genetics
Classification: Uncertain significance for Cardiovascular phenotype; Hereditary cancer-predisposing syndrome. Last evaluated: 2024-06-26. Review status: criteria provided, single submitter. Criteria: Ambry Variant Classification Scheme 2023. Collection method: clinical testing. Allele origin: germline.
Comment: The p.Q1336R variant (also known as c.4007A>G), located in coding exon 30 of the NF1 gene, results from an A to G substitution at nucleotide position 4007. The glutamine at codon 1336 is replaced by arginine, an amino acid with highly similar properties. This amino acid position is highly conserved in available vertebrate species. In addition, this alteration is predicted to be deleterious by in silico analysis. Based on the available evidence, the clinical significance of this variant remains unclear.

NM_001042492.3(NF1):c.4007A>G (p.Gln1336Arg)

Gene: NF1 (neurofibromin 1; plus strand). Cytogenetic location: 17q11.2.
Variant type: single nucleotide variant.
Coding change: c.4007A>G on transcript NM_001042492.3 (MANE Select); coding-DNA position 4007, A replaced by G.
Protein change: p.Gln1336Arg; replaces glutamine 1336 with arginine.
Molecular consequence: missense variant.
Genome position (GRCh38, 1-based): chr17:31,249,016, A>G. VCF-style: chr17-31249016-A-G. GRCh37 (hg19) VCF-style: chr17-29576034-A-G.
Other names: c.4007A>G, p.Gln1336Arg (NM_000267.4); short protein forms Q1336R.
Identifiers: ClinVar variation 3404630 (VCV003404630.1).